The following is an entry in ClinVar:

NM_000112.4(SLC26A2):c.1535C>T (p.Thr512Ile)

Gene: SLC26A2 (solute carrier family 26 member 2; plus strand). Cytogenetic location: 5q32.
Variant type: single nucleotide variant.
Coding change: c.1535C>T on transcript NM_000112.4 (MANE Select); coding-DNA position 1535, C replaced by T.
Protein change: p.Thr512Ile; replaces threonine 512 with isoleucine.
Molecular consequence: missense variant.
Genome position (GRCh38, 1-based): chr5:149,981,128, C>T. VCF-style: chr5-149981128-C-T. GRCh37 (hg19) VCF-style: chr5-149360691-C-T.
Other names: short protein forms T512I.
Identifiers: ClinVar variation 4782752 (VCV004782752.1).

ClinVar aggregate classification (germline): Uncertain significance (1 of 4 stars; one submission).

Conditions:
Multiple epiphyseal dysplasia type 4 (EDM4). Also called: SLC26A2-Related Multiple Epiphyseal Dysplasia; Multiple Epiphyseal Dysplasia, Recessive; MULTIPLE EPIPHYSEAL DYSPLASIA WITH BILAYERED PATELLAE; MULTIPLE EPIPHYSEAL DYSPLASIA WITH CLUBFOOT; MULTIPLE EPIPHYSEAL DYSPLASIA, AUTOSOMAL RECESSIVE. Identifiers: Orphanet 93307, MedGen C1847593, MONDO:0009189, OMIM 226900.
Diastrophic dysplasia (DTD). Also called: Diastrophic dwarfism. Identifiers: Orphanet 628, MedGen C0220726, MONDO:0009107, OMIM 222600.
Achondrogenesis, type IB (ACG1B). Also called: Achondrogenesis Type 1B. Identifiers: Orphanet 932, Orphanet 93298, MedGen C0265274, MONDO:0010966, OMIM 600972.
Atelosteogenesis type II (AO2). Also called: NEONATAL OSSEOUS DYSPLASIA I; Neonatal osseous dysplasia 1; SLC26A2-Related Atelosteogenesis. Identifiers: Orphanet 56304, MedGen C1850554, MONDO:0009727, OMIM 256050.

Submission:

Labcorp Genetics (formerly Invitae), Labcorp
Classification: Uncertain significance for Atelosteogenesis type II; Multiple epiphyseal dysplasia type 4; Achondrogenesis, type IB; Diastrophic dysplasia. Last evaluated: 2025-07-25. Review status: criteria provided, single submitter. Criteria: Invitae Variant Classification Sherloc (09022015). Collection method: clinical testing. Allele origin: germline.
Comment: This sequence change replaces threonine, which is neutral and polar, with isoleucine, which is neutral and non-polar, at codon 512 of the SLC26A2 protein (p.Thr512Ile). This variant is not present in population databases (gnomAD no frequency). This variant has not been reported in the literature in individuals affected with SLC26A2-related conditions. Invitae Evidence Modeling of protein sequence and biophysical properties (such as structural, functional, and spatial information, amino acid conservation, physicochemical variation, residue mobility, and thermodynamic stability) indicates that this missense variant is expected to disrupt SLC26A2 protein function with a positive predictive value of 80%. This variant disrupts the p.Thr512 amino acid residue in SLC26A2. Other variant(s) that disrupt this residue have been determined to be pathogenic (PMID: 18708426, 30423444). This suggests that this residue is clinically significant, and that variants that disrupt this residue are likely to be disease-causing. In summary, the available evidence is currently insufficient to determine the role of this variant in disease. Therefore, it has been classified as a Variant of Uncertain Significance.

Literature cited by the submitters: PubMed 18708426; PubMed 30423444.